The following is an entry in ClinVar:

NM_001041.4(SI):c.2892+1G>A

Gene: SI (sucrase-isomaltase; minus strand). Cytogenetic location: 3q26.1.
Variant type: single nucleotide variant.
Coding change: c.2892+1G>A on transcript NM_001041.4 (MANE Select); the canonical splice donor site of the intron after coding-DNA position 2892, G replaced by A.
Molecular consequence: splice donor variant.
Genome position (GRCh38, 1-based): chr3:165,030,711, C>T on the plus strand (G>A on the coding strand, the complement: SI is on the minus strand). VCF-style: chr3-165030711-C-T. GRCh37 (hg19) VCF-style: chr3-164748499-C-T.
Identifiers: ClinVar variation 3646420 (VCV003646420.2).
Genomic context (GRCh38, chr3:165,030,711, plus strand): 5'-ATTTGCACCAAAATGCTTATGTGATAACCATATCATGAGTAATAGTTAAAATTATTATTA[C>T]CGTTCTCCATACACAGCCACGTTGTGTGCACTTTTGTTCAGTTGCCAAATCTGCATCTGG-3'

ClinVar aggregate classification (germline): Likely pathogenic (1 of 4 stars; one submission).

Submission:

Labcorp Genetics (formerly Invitae), Labcorp
Classification: Likely pathogenic. Last evaluated: 2024-03-16. Review status: criteria provided, single submitter. Criteria: Invitae Variant Classification Sherloc (09022015). Collection method: clinical testing. Allele origin: germline.
Comment: This sequence change affects a donor splice site in intron 25 of the SI gene. It is expected to disrupt RNA splicing. Variants that disrupt the donor or acceptor splice site typically lead to a loss of protein function (PMID: 16199547), and loss-of-function variants in SI are known to be pathogenic (PMID: 16329100, 23103650, 25452324). This variant is not present in population databases (gnomAD no frequency). This variant has not been reported in the literature in individuals affected with SI-related conditions. Algorithms developed to predict the effect of sequence changes on RNA splicing suggest that this variant may disrupt the consensus splice site. In summary, the currently available evidence indicates that the variant is pathogenic, but additional data are needed to prove that conclusively. Therefore, this variant has been classified as Likely Pathogenic.

Literature cited by the submitters: PubMed 16199547; PubMed 16329100; PubMed 23103650; PubMed 25452324.